The following is an entry in ClinVar:

NM_173689.7(CRB2):c.3343C>T (p.Arg1115Cys)

Gene: CRB2 (crumbs cell polarity complex component 2; plus strand). Cytogenetic location: 9q33.3.
Variant type: single nucleotide variant.
Coding change: c.3343C>T on transcript NM_173689.7 (MANE Select); coding-DNA position 3343, C replaced by T.
Protein change: p.Arg1115Cys; replaces arginine 1115 with cysteine.
Molecular consequence: missense variant. On other transcripts: non-coding transcript variant (1).
Genome position (GRCh38, 1-based): chr9:123,373,874, C>T. VCF-style: chr9-123373874-C-T. GRCh37 (hg19) VCF-style: chr9-126136153-C-T.
Other names: short protein forms R1115C.
Identifiers: ClinVar variation 2634676 (VCV002634676.3), dbSNP rs1219047251, ClinGen allele CA374868518.

ClinVar aggregate classification (germline): Likely pathogenic (0 of 4 stars; one submission).

Conditions:
CRB2-related disorder. Also called: CRB2-related disorders; CRB2-related condition.

Allele frequency attached by ClinVar (database versions not stated): gnomAD exomes 0.00001; gnomAD 0.00003.
gnomAD v4.1: 18 of 1,550,346 alleles (0.0012%); highest among the groups gnomAD compares: African/African-American, 0.0027%; no homozygotes.

Submission:

PreventionGenetics, part of Exact Sciences
Classification: Likely pathogenic for CRB2-related condition. Last evaluated: 2024-03-12. Review status: no assertion criteria provided. Collection method: clinical testing. Allele origin: germline.
Comment: The CRB2 c.3343C>T variant is predicted to result in the amino acid substitution p.Arg1115Cys. This variant was reported in the compound heterozygous state along with a CRB2 frameshift variant in an individual with cerebral ventriculomegaly and nephrosis (Lamont et al. 2016. PubMed ID: 27004616). This variant has not been reported in a large population database, indicating this variant is rare. This variant is interpreted as likely pathogenic.